The following is an entry in ClinVar:

NM_001378789.1(CERS3):c.716A>T (p.Asp239Val)

Gene: CERS3 (ceramide synthase 3; minus strand). Cytogenetic location: 15q26.3.
Variant type: single nucleotide variant.
Coding change: c.716A>T on transcript NM_001378789.1 (MANE Select); coding-DNA position 716, A replaced by T.
Protein change: p.Asp239Val; replaces aspartic acid 239 with valine.
Molecular consequence: missense variant.
Genome position (GRCh38, 1-based): chr15:100,472,946, T>A on the plus strand (A>T on the coding strand, the complement: CERS3 is on the minus strand). VCF-style: chr15-100472946-T-A. GRCh37 (hg19) VCF-style: chr15-101013151-T-A.
Other names: c.749A>T, p.Asp250Val (NM_001290341.2); c.716A>T, p.Asp239Val (NM_001290342.2, NM_001290343.2, NM_178842.5); short protein forms D239V, D250V.
Identifiers: ClinVar variation 3375401 (VCV003375401.1).

ClinVar aggregate classification (germline): Uncertain significance (1 of 4 stars; one submission).

gnomAD v4.1: 47 of 1,613,922 alleles (0.0029%); highest among the groups gnomAD compares: Non-Finnish European, 0.0038%; no homozygotes.

Submission:

Women's Health and Genetics/Laboratory Corporation of America, LabCorp
Classification: Uncertain significance. Last evaluated: 2024-09-18. Review status: criteria provided, single submitter. Criteria: LabCorp Variant Classification Summary - May 2015. Collection method: clinical testing. Allele origin: germline.
Comment: Variant summary: CERS3 c.716A>T (p.Asp239Val) results in a non-conservative amino acid change located in the TRAM/LAG1/CLN8 (TLC) homology domain (IPR006634) of the encoded protein sequence. Five of five in-silico tools predict a damaging effect of the variant on protein function. The variant allele was found at a frequency of 8e-06 in 251376 control chromosomes (gnomAD). The variant, c.716A>T, has been reported in the literature in an individual affected with Lamellar Ichthyosis, who also had Prader-Willi syndrome (PWS) and inherited the variant in the settings of maternal uniparental disomy (UPD) (Polubothu_2018). Authors of this study proposed that based on the proximity of CERS3 to the PWS region it is highly likely that the phenotype of Lamellar Ichthyosis was attributable to maternal UPD of this variant. These data indicate that the variant may be associated with disease. To our knowledge, no experimental evidence demonstrating an impact on protein function has been reported. The following publication have been ascertained in the context of this evaluation (PMID: 30007077). No submitters have cited clinical-significance assessments for this variant to ClinVar. Based on the evidence outlined above, the variant was classified as VUS-possibly pathogenic.

Literature cited by the submitters: PubMed 30007077.